The following is an entry in ClinVar:

ClinVar aggregate classification (germline): Uncertain significance (1 of 4 stars; one submission).

Conditions:
Fanconi anemia (FA). Also called: Fanconi's anemia. Identifiers: Orphanet 84, MedGen C0015625, MeSH D005199, MONDO:0019391.

Submission:

Labcorp Genetics (formerly Invitae), Labcorp
Classification: Uncertain significance for Fanconi anemia. Last evaluated: 2023-04-08. Review status: criteria provided, single submitter. Criteria: Invitae Variant Classification Sherloc (09022015). Collection method: clinical testing. Allele origin: germline.
Comment: Algorithms developed to predict the effect of missense changes on protein structure and function output the following: SIFT: "Not Available"; PolyPhen-2: "Benign"; Align-GVGD: "Not Available". The phenylalanine amino acid residue is found in multiple mammalian species, which suggests that this missense change does not adversely affect protein function. In summary, the available evidence is currently insufficient to determine the role of this variant in disease. Therefore, it has been classified as a Variant of Uncertain Significance. This variant has not been reported in the literature in individuals affected with FANCM-related conditions. This variant is not present in population databases (gnomAD no frequency). This sequence change replaces leucine, which is neutral and non-polar, with phenylalanine, which is neutral and non-polar, at codon 1021 of the FANCM protein (p.Leu1021Phe).

NM_020937.4(FANCM):c.3061C>T (p.Leu1021Phe)

Gene: FANCM (FA complementation group M; plus strand). Cytogenetic location: 14q21.2.
Variant type: single nucleotide variant.
Coding change: c.3061C>T on transcript NM_020937.4 (MANE Select); coding-DNA position 3061, C replaced by T.
Protein change: p.Leu1021Phe; replaces leucine 1021 with phenylalanine.
Molecular consequence: missense variant.
Genome position (GRCh38, 1-based): chr14:45,175,815, C>T. VCF-style: chr14-45175815-C-T. GRCh37 (hg19) VCF-style: chr14-45645018-C-T.
Other names: c.2983C>T, p.Leu995Phe (NM_001308133.2); short protein forms L1021F, L995F.
Identifiers: ClinVar variation 2853574 (VCV002853574.3), dbSNP rs2139245727, ClinGen allele CA389599777.